The following is an entry in ClinVar:

ClinVar aggregate classification (germline): Uncertain significance (1 of 4 stars; one submission).

Conditions:
Early-infantile DEE. Also called: Ohtahara syndrome; Early infantile epileptic encephalopathy; Early infantile epileptic encephalopathy with suppression bursts. Identifiers: Orphanet 1934, MedGen C0393706, MONDO:0800491.

Submission:

Labcorp Genetics (formerly Invitae), Labcorp
Classification: Uncertain significance for Early-infantile DEE. Last evaluated: 2023-07-31. Review status: criteria provided, single submitter. Criteria: Invitae Variant Classification Sherloc (09022015). Collection method: clinical testing. Allele origin: germline.
Comment: In summary, the available evidence is currently insufficient to determine the role of this variant in disease. Therefore, it has been classified as a Variant of Uncertain Significance. This sequence change replaces aspartic acid, which is acidic and polar, with asparagine, which is neutral and polar, at codon 349 of the ARHGEF15 protein (p.Asp349Asn). This variant is not present in population databases (gnomAD no frequency). This variant has not been reported in the literature in individuals affected with ARHGEF15-related conditions. An algorithm developed to predict the effect of missense changes on protein structure and function (PolyPhen-2) suggests that this variant is likely to be tolerated.

NM_173728.4(ARHGEF15):c.1045G>A (p.Asp349Asn)

Gene: ARHGEF15 (Rho guanine nucleotide exchange factor 15; plus strand). Cytogenetic location: 17p13.1.
Variant type: single nucleotide variant.
Coding change: c.1045G>A on transcript NM_173728.4 (MANE Select); coding-DNA position 1045, G replaced by A.
Protein change: p.Asp349Asn; replaces aspartic acid 349 with asparagine.
Molecular consequence: missense variant.
Genome position (GRCh38, 1-based): chr17:8,314,961, G>A. VCF-style: chr17-8314961-G-A. GRCh37 (hg19) VCF-style: chr17-8218279-G-A.
Other names: c.1045G>A, p.Asp349Asn (NM_025014.2); short protein forms D349N.
Identifiers: ClinVar variation 2748619 (VCV002748619.3), dbSNP rs146014287, ClinGen allele CA398018724.
Genomic context (GRCh38, chr17:8,314,961, plus strand): 5'-CACAGGGAAGAGGAGGGGCTAGAGGTGCTGAAGGAGCAGAATTGGGAGCTGCCCCTGCAG[G>A]ATGGTGAGGGCCTCTGGACCTGAGGGTCCCTGCTGTGACCATCAAGCAGTGGGGAAGGGT-3'
Protein context (NP_776089.2, residues 339-359): KEQNWELPLQ[Asp349Asn]EPLYQTYRAA